The following is an entry in ClinVar:

NM_000444.6(PHEX):c.443T>C (p.Ile148Thr)

Gene: PHEX (phosphate regulating endopeptidase X-linked; plus strand). Cytogenetic location: Xp22.11.
Variant type: single nucleotide variant.
Coding change: c.443T>C on transcript NM_000444.6 (MANE Select); coding-DNA position 443, T replaced by C.
Protein change: p.Ile148Thr; replaces isoleucine 148 with threonine.
Molecular consequence: missense variant.
Genome position (GRCh38, 1-based): chrX:22,077,482, T>C. VCF-style: chrX-22077482-T-C. GRCh37 (hg19) VCF-style: chrX-22095600-T-C.
Other names: c.443T>C, p.Ile148Thr (NM_001282754.2); short protein forms I148T.
Identifiers: ClinVar variation 5019277 (VCV005019277.2).
Genomic context (GRCh38, chrX:22,077,482, plus strand): 5'-TGTGCTGATCCAGTTTGCAATTCTAACTTTCTCTTCATATCTGCTCCCTTTCAGAAGCGA[T>C]TGAAAAAGCAGATGCCAAGCCACTGCTACACATCCTACGGCATTCACCTTTCCGCTGGCC-3'
Protein context (NP_000435.3, residues 138-158): LYSSCMNEKA[Ile148Thr]EKADAKPLLH

ClinVar aggregate classification (germline): Uncertain significance (1 of 4 stars; one submission).

Conditions:
Familial X-linked hypophosphatemic vitamin D refractory rickets (XLHRD). Also called: X-Linked Hypophosphatemia; HYPOPHOSPHATEMIC VITAMIN D-RESISTANT RICKETS; Hypophosphatemia, vitamin D-resistant rickets; Vitamin D-resistant rickets, X-linked; Hypophosphatemic Rickets, X-Linked Dominant. Identifiers: Orphanet 89936, MedGen C0733682, MONDO:0010619, OMIM 307800.

Submission:

Juno Genomics, Hangzhou Juno Genomics, Inc
Classification: Uncertain significance for Familial X-linked hypophosphatemic vitamin D refractory rickets. Review status: criteria provided, single submitter. Criteria: ACMG Guidelines, 2015. Collection method: clinical testing. Allele origin: germline.
Comment: Absent from controls (or at extremely low frequency if recessive) in Genome Aggregation Database.;Multiple lines of computational evidence support a deleterious effect on the gene or gene product.